The following is an entry in ClinVar:

NM_001267550.2(TTN):c.54819G>A (p.Pro18273=)

Genes: TTN (titin; minus strand), TTN-AS1 (TTN antisense RNA 1; plus strand). Cytogenetic location: 2q31.2.
Variant type: single nucleotide variant.
Coding change: c.54819G>A on transcript NM_001267550.2 (MANE Select); coding-DNA position 54819, G replaced by A.
Protein change: p.Pro18273=; no amino-acid change (proline 18273 retained).
Molecular consequence: synonymous variant.
Genome position (GRCh38, 1-based): chr2:178,602,583, C>T on the plus strand (G>A on the coding strand, the complement: TTN is on the minus strand). VCF-style: chr2-178602583-C-T. GRCh37 (hg19) VCF-style: chr2-179467310-C-T.
Other names: c.49896G>A, p.Pro16632= (NM_001256850.1); c.27624G>A, p.Pro9208= (NM_003319.4); c.47115G>A, p.Pro15705= (NM_133378.4); c.27999G>A, p.Pro9333= (NM_133432.3); c.28200G>A, p.Pro9400= (NM_133437.4).
Identifiers: ClinVar variation 467271 (VCV000467271.5), dbSNP rs373624715, ClinGen allele CA1993565.

ClinVar aggregate classification (germline): Conflicting classifications of pathogenicity. Review status: criteria provided, conflicting classifications (1 of 4 stars). 3 submissions from 3 submitters: Uncertain significance (1); Likely benign (2). Last evaluated 2025-06-26.

Conditions:
Autosomal recessive limb-girdle muscular dystrophy type 2J (LGMDR10). Also called: Limb-girdle muscular dystrophy, type 2J; MUSCULAR DYSTROPHY, LIMB-GIRDLE, AUTOSOMAL RECESSIVE 10. Identifiers: Orphanet 140922, MedGen C1837342, MONDO:0012127, OMIM 608807.
Dilated cardiomyopathy 1G (CMD1G). Identifiers: Orphanet 154, MedGen C1858763, MONDO:0011400, OMIM 604145.
Cardiovascular phenotype. Identifiers: MedGen CN230736.

Allele frequency attached by ClinVar (database versions not stated): gnomAD 0.00004 and 0.00006; TOPMed 0.00004; gnomAD exomes 0.00006 and 0.00009; ExAC 0.00015; ESP Exome Variant Server 0.00017.
gnomAD v4.1: 94 of 1,497,456 alleles (0.0063%); highest among the groups gnomAD compares: South Asian, 0.026%; no homozygotes.

Submissions (3):

Women's Health and Genetics/Laboratory Corporation of America, LabCorp
Classification: Likely benign. Last evaluated: 2025-06-26. Review status: criteria provided, single submitter. Criteria: LabCorp Variant Classification Summary - May 2015. Collection method: clinical testing. Allele origin: germline.

Ambry Genetics
Classification: Likely benign for Cardiovascular phenotype. Last evaluated: 2021-05-01. Review status: criteria provided, single submitter. Criteria: Ambry Variant Classification Scheme 2023. Collection method: clinical testing. Allele origin: germline.

Labcorp Genetics (formerly Invitae), Labcorp
Classification: Uncertain significance for Dilated cardiomyopathy 1G; Autosomal recessive limb-girdle muscular dystrophy type 2J. Last evaluated: 2018-11-20. Review status: criteria provided, single submitter. Criteria: Invitae Variant Classification Sherloc (09022015). Collection method: clinical testing. Allele origin: germline.
Comment: This sequence change affects codon 18273 of the TTN mRNA. It is a 'silent' change, meaning that it does not change the encoded amino acid sequence of the TTN protein. This variant is present in population databases (rs373624715, ExAC 0.02%) but has not been reported in the literature in individuals with a TTN-related disease. This variant identified in the TTN gene is located in the A band of the resulting protein (PMID: 25589632). It is unclear how this variant impacts the function of this protein. Algorithms developed to predict the effect of sequence changes on RNA splicing suggest that this variant may alter RNA splicing, but this prediction has not been confirmed by published transcriptional studies. In summary, this is a rare silent change with uncertain impact on splicing. It has been classified as a Variant of Uncertain Significance.

Literature cited by the submitters: PubMed 25589632 (cited by Labcorp Genetics (formerly Invitae), Labcorp).